The following is an entry in ClinVar:

NM_006949.4(STXBP2):c.322G>C (p.Asp108His)

Gene: STXBP2 (syntaxin binding protein 2; plus strand). Cytogenetic location: 19p13.2.
Variant type: single nucleotide variant.
Coding change: c.322G>C on transcript NM_006949.4 (MANE Select); coding-DNA position 322, G replaced by C.
Protein change: p.Asp108His; replaces aspartic acid 108 with histidine.
Molecular consequence: missense variant. On other transcripts: non-coding transcript variant (1).
Genome position (GRCh38, 1-based): chr19:7,640,806, G>C. VCF-style: chr19-7640806-G-C. GRCh37 (hg19) VCF-style: chr19-7705692-G-C.
Other names: c.313G>C, p.Asp105His (NM_001127396.3); c.355G>C, p.Asp119His (NM_001272034.2); c.226G>C, p.Asp76His (NM_001414484.1); short protein forms D108H, D119H, D105H, D76H.
Identifiers: ClinVar variation 3720653 (VCV003720653.1).
Genomic context (GRCh38, chr19:7,640,806, plus strand): 5'-ATCAAAGACTTCCAGGGGACCCCGACTTTCACCTACAAAGCGGCCCATATCTTCTTCACC[G>C]ACAGTGAGTGAGGAGAGCCTAGGGTGTTGGTGGGTGGGGCAAGGAGGTGTGGGGGCTGCT-3'
Protein context (NP_008880.2, residues 98-118): TYKAAHIFFT[Asp108His]TCPEPLFSEL

ClinVar aggregate classification (germline): Uncertain significance (1 of 4 stars; one submission).

Conditions:
Familial hemophagocytic lymphohistiocytosis 5. Also called: STXBP2-Related Familial Hemophagocytic Lymphohistiocytosis (STXBP2-fHLH). Identifiers: Orphanet 540, MedGen C2751293, MONDO:0013135, OMIM 613101.

Submission:

Labcorp Genetics (formerly Invitae), Labcorp
Classification: Uncertain significance for Familial hemophagocytic lymphohistiocytosis 5. Last evaluated: 2024-10-17. Review status: criteria provided, single submitter. Criteria: Invitae Variant Classification Sherloc (09022015). Collection method: clinical testing. Allele origin: germline.
Comment: This sequence change replaces aspartic acid, which is acidic and polar, with histidine, which is basic and polar, at codon 108 of the STXBP2 protein (p.Asp108His). This variant is not present in population databases (gnomAD no frequency). This variant has not been reported in the literature in individuals affected with STXBP2-related conditions. Invitae Evidence Modeling of protein sequence and biophysical properties (such as structural, functional, and spatial information, amino acid conservation, physicochemical variation, residue mobility, and thermodynamic stability) has been performed for this missense variant. However, the output from this modeling did not meet the statistical confidence thresholds required to predict the impact of this variant on STXBP2 protein function. In summary, the available evidence is currently insufficient to determine the role of this variant in disease. Therefore, it has been classified as a Variant of Uncertain Significance.